The following is an entry in ClinVar:

NM_001376.5(DYNC1H1):c.2483A>G (p.Lys828Arg)

Gene: DYNC1H1 (dynein cytoplasmic 1 heavy chain 1; plus strand). Cytogenetic location: 14q32.31.
Variant type: single nucleotide variant.
Coding change: c.2483A>G on transcript NM_001376.5 (MANE Select); coding-DNA position 2483, A replaced by G.
Protein change: p.Lys828Arg; replaces lysine 828 with arginine.
Molecular consequence: missense variant.
Genome position (GRCh38, 1-based): chr14:101,986,708, A>G. VCF-style: chr14-101986708-A-G. GRCh37 (hg19) VCF-style: chr14-102453045-A-G.
Other names: short protein forms K828R.
Identifiers: ClinVar variation 2083470 (VCV002083470.4), dbSNP rs1047679128, ClinGen allele CA266981060.

ClinVar aggregate classification (germline): Uncertain significance (1 of 4 stars; one submission).

Conditions:
Charcot-Marie-Tooth disease axonal type 2O. Also called: Charcot-Marie-Tooth disease, axonal, type 20; CHARCOT-MARIE-TOOTH NEUROPATHY, AXONAL, TYPE 2O; CHARCOT-MARIE-TOOTH DISEASE, AXONAL, AUTOSOMAL DOMINANT, TYPE 2O; Charcot-Marie-Tooth Neuropathy Type 2O. Identifiers: Orphanet 284232, MedGen C3280220, MONDO:0013644, OMIM 614228.

Allele frequency attached by ClinVar (database versions not stated): gnomAD 0.00001; gnomAD exomes 0.00001; TOPMed 0.00001.
gnomAD v4.1: 15 of 1,614,070 alleles (0.00093%); highest among the groups gnomAD compares: Non-Finnish European, 0.0013%; no homozygotes.

Submission:

Labcorp Genetics (formerly Invitae), Labcorp
Classification: Uncertain significance for Charcot-Marie-Tooth disease axonal type 2O. Last evaluated: 2021-12-11. Review status: criteria provided, single submitter. Criteria: Invitae Variant Classification Sherloc (09022015). Collection method: clinical testing. Allele origin: germline.
Comment: This sequence change replaces lysine, which is basic and polar, with arginine, which is basic and polar, at codon 828 of the DYNC1H1 protein (p.Lys828Arg). This variant is not present in population databases (gnomAD no frequency). This variant has not been reported in the literature in individuals affected with DYNC1H1-related conditions. Advanced modeling of protein sequence and biophysical properties (such as structural, functional, and spatial information, amino acid conservation, physicochemical variation, residue mobility, and thermodynamic stability) performed at Invitae indicates that this missense variant is not expected to disrupt DYNC1H1 protein function. In summary, the available evidence is currently insufficient to determine the role of this variant in disease. Therefore, it has been classified as a Variant of Uncertain Significance.